The following is an entry in ClinVar:

NM_020822.3(KCNT1):c.3317G>C (p.Arg1106Pro)

Gene: KCNT1 (potassium sodium-activated channel subfamily T member 1; plus strand). Cytogenetic location: 9q34.3.
Variant type: single nucleotide variant.
Coding change: c.3317G>C on transcript NM_020822.3 (MANE Select); coding-DNA position 3317, G replaced by C.
Protein change: p.Arg1106Pro; replaces arginine 1106 with proline.
Molecular consequence: missense variant.
Genome position (GRCh38, 1-based): chr9:135,786,336, G>C. VCF-style: chr9-135786336-G-C. GRCh37 (hg19) VCF-style: chr9-138678182-G-C.
Other names: c.3182G>C, p.Arg1061Pro (NM_001272003.2); short protein forms R1106P, R1061P.
Identifiers: ClinVar variation 393108 (VCV000393108.2), dbSNP rs561255614, ClinGen allele CA5327781.

ClinVar aggregate classification (germline): Uncertain significance (1 of 4 stars; one submission).

gnomAD v4.1: 10 of 1,593,924 alleles (0.00063%); highest among the groups gnomAD compares: Non-Finnish European, 0.00085%; no homozygotes.

Submission:

GeneDx
Classification: Uncertain significance. Last evaluated: 2017-01-17. Review status: criteria provided, single submitter. Criteria: GeneDx Variant Classification (06012015). Collection method: clinical testing. Allele origin: germline. Affected: yes.
Comment: A variant of uncertain significance has been identified in the KCNT1 gene. The R1106P variant has not been published as a pathogenic variant, nor has it been reported as a benign variant to our knowledge. The R106P variant is not observed at a significant frequency in large population cohorts (Lek et al., 2016; 1000 Genomes Consortium et al., 2015; Exome Variant Server). The R1106P variant is a non-conservative amino acid substitution, which is likely to impact secondary protein structure as these residues differ in polarity, charge, size and/or other properties. This substitution occurs at a position that is conserved across species and in silico analysis predicts this variant is probably damaging to the protein structure/function. Additionally, a different missense variant at the same codon (R1106Q) have been reported in Human Gene Mutation Database in association with KCNT1-related disorders (Stenson et al., 2014), supporting the functional importance of this region of the protein. Based on the currently available information, it is unclear whether this variant is a pathogenic variant or a rare benign variant.